The following is an entry in ClinVar:

NM_003052.5(SLC34A1):c.388+10G>C

Gene: SLC34A1 (solute carrier family 34 member 1; plus strand). Cytogenetic location: 5q35.3.
Variant type: single nucleotide variant.
Coding change: c.388+10G>C on transcript NM_003052.5 (MANE Select); 10 bases into the intron after coding-DNA position 388, G replaced by C.
Molecular consequence: intron variant.
Genome position (GRCh38, 1-based): chr5:177,386,359, G>C. VCF-style: chr5-177386359-G-C. GRCh37 (hg19) VCF-style: chr5-176813360-G-C.
Other names: c.388+10G>C (NM_001167579.2).
Identifiers: ClinVar variation 780592 (VCV000780592.15), dbSNP rs59750868, ClinGen allele CA3580360.

ClinVar aggregate classification (germline): Benign/Likely benign. Review status: criteria provided, multiple submitters, no conflicts (2 of 4 stars). 3 submissions from 3 submitters: Benign (2); Likely benign (1). Last evaluated 2026-02-01.

Conditions:
Hypophosphatemic nephrolithiasis/osteoporosis 1. Identifiers: Orphanet 244305, MedGen C2676786, MONDO:0012850, OMIM 612286.

Allele frequency attached by ClinVar (database versions not stated): TOPMed 0.01104; ESP Exome Variant Server 0.01246; 1000 Genomes Project 0.01318; 1000 Genomes Project 30x 0.01421.

Submissions (3):

Labcorp Genetics (formerly Invitae), Labcorp
Classification: Benign. Last evaluated: 2026-02-01. Review status: criteria provided, single submitter. Criteria: Invitae Variant Classification Sherloc (09022015). Collection method: clinical testing. Allele origin: germline.

GeneDx
Classification: Likely benign. Last evaluated: 2021-06-09. Review status: criteria provided, single submitter. Criteria: GeneDx Variant Classification Process June 2021. Collection method: clinical testing. Allele origin: germline. Affected: yes.

Illumina Laboratory Services, Illumina
Classification: Benign for Hypophosphatemic nephrolithiasis/osteoporosis 1. Last evaluated: 2018-01-13. Review status: criteria provided, single submitter. Criteria: ICSL Variant Classification Criteria 13 December 2019. Collection method: clinical testing. Allele origin: germline.
Comment: This variant was observed in the ICSL laboratory as part of a predisposition screen in an ostensibly healthy population. It had not been previously curated by ICSL or reported in the Human Gene Mutation Database (HGMD: prior to June 1st, 2018), and was therefore a candidate for classification through an automated scoring system. Utilizing variant allele frequency, disease prevalence and penetrance estimates, and inheritance mode, an automated score was calculated to assess if this variant is too frequent to cause the disease. Based on the score and internal cut-off values, a variant classified as benign is not then subjected to further curation. The score for this variant resulted in a classification of benign for this disease.